The following is an entry in ClinVar:

NM_001372044.2(SHANK3):c.4835_4839dup (p.Leu1615fs)

Gene: SHANK3 (SH3 and multiple ankyrin repeat domains 3; plus strand). Cytogenetic location: 22q13.33.
Variant type: Duplication.
Coding change: c.4835_4839dup on transcript NM_001372044.2 (MANE Select); coding-DNA positions 4835 to 4839, 5 bases duplicated (TCAGC; older notation c.4835_4839dupTCAGC).
Protein change: p.Leu1615fs; shifts the reading frame from leucine 1615.
Molecular consequence: frameshift variant.
Genome position (GRCh38, 1-based): chr22:50,730,726-50,730,730, TCAGC duplicated. VCF-style (leftmost placement, unchanged base first): chr22-50730725-T-TTCAGC. GRCh37 (hg19) VCF-style: chr22-51169153-T-TTCAGC.
Other names: c.4835_4839dupTCAGC (NM_001372044.2); short protein forms L1615fs.
Identifiers: ClinVar variation 1700123 (VCV001700123.3), dbSNP rs2146843340, ClinGen allele CA2580099944.

ClinVar aggregate classification (germline): Pathogenic. Review status: criteria provided, multiple submitters, no conflicts (2 of 4 stars). 3 submissions from 3 submitters: Pathogenic (3). Last evaluated 2026-01-20.

Conditions:
Phelan-McDermid syndrome. Also called: TELOMERIC 22q13 MONOSOMY SYNDROME; 22q13.3 deletion syndrome; Phelan-McDermid Syndrome-SHANK3 Related. Identifiers: Orphanet 48652, MedGen C1853490, MONDO:0011652, OMIM 606232.
Neurodevelopmental delay. Identifiers: MedGen C4022738, HP:0012758.

Submissions (3):

Variantyx, Inc.
Classification: Pathogenic for Phelan-McDermid syndrome. Last evaluated: 2026-01-20. Review status: criteria provided, single submitter. Criteria: Variantyx Assertion Criteria 2022. Collection method: clinical testing. Allele origin: de novo. Inheritance: Autosomal dominant inheritance. Affected: yes.
Comment: This is a frameshift variant in the SHANK3 gene (OMIM: 606230). Pathogenic variants in this gene have been associated with autosomal dominant Phelan-McDermid syndrome. This variant introduces a premature termination codon in exon 23 out of 23. While it is not expected to result in nonsense-mediated decay, a truncated protein lacking the critical C-terminal domain is produced and the alteration is expected to result in loss of function, which is a known disease mechanism for SHANK3 in this disorder (PMID: 25188300) (PVS1). This variant is absent from control populations (PM2). A variant with an alternate amino acid change was observed in monozygotic twins with Phelan-McDermid syndrome (PMID: 32050889). Based on the current evidence, this variant is classified as pathogenic for autosomal dominant Phelan-McDermid syndrome.

3billion
Classification: Pathogenic for Phelan-McDermid syndrome. Last evaluated: 2025-07-08. Review status: criteria provided, single submitter. Criteria: ACMG Guidelines, 2015. Collection method: clinical testing. Allele origin: germline. Affected: yes.
Comment: The variant is not observed in the gnomAD v4.1.0 dataset. Predicted Consequence/Location: Frameshift: predicted to result in a loss or disruption of normal protein function through protein truncation. The predicted truncated protein may be shortened by more than 10%. The variant has been reported at least twice as pathogenic with clinical assertions and evidence for the classification (ClinVar ID: VCV000633510 /3billion dataset). Therefore, this variant is classified as Pathogenic according to the recommendation of ACMG/AMP guideline.

Centre de Biologie Pathologie Génétique, Centre Hospitalier Universitaire de Lille
Classification: Pathogenic for Neurodevelopmental delay. Review status: criteria provided, single submitter. Criteria: ACMG Guidelines, 2015. Collection method: clinical testing. Allele origin: de novo. Affected: yes.

Literature cited by the submitters: PubMed 25188300 (cited by Variantyx, Inc.).